The following is an entry in ClinVar:

NM_018238.4(AGK):c.1136C>T (p.Ala379Val)

Gene: AGK (acylglycerol kinase; plus strand). Cytogenetic location: 7q34.
Variant type: single nucleotide variant.
Coding change: c.1136C>T on transcript NM_018238.4 (MANE Select); coding-DNA position 1136, C replaced by T.
Protein change: p.Ala379Val; replaces alanine 379 with valine.
Molecular consequence: missense variant.
Genome position (GRCh38, 1-based): chr7:141,652,791, C>T. VCF-style: chr7-141652791-C-T. GRCh37 (hg19) VCF-style: chr7-141352591-C-T.
Other names: short protein forms A379V.
Identifiers: ClinVar variation 3907961 (VCV003907961.1).

ClinVar aggregate classification (germline): Uncertain significance (1 of 4 stars; one submission).

gnomAD v4.1: 6 of 1,612,966 alleles (0.00037%); highest among the groups gnomAD compares: Non-Finnish European, 0.00051%; no homozygotes.

Submission:

GeneDx
Classification: Uncertain significance. Last evaluated: 2024-12-31. Review status: criteria provided, single submitter. Criteria: GeneDx Variant Classification Process June 2021. Collection method: clinical testing. Allele origin: germline. Affected: yes.
Comment: Not observed at significant frequency in large population cohorts (gnomAD); In silico analysis indicates that this missense variant does not alter protein structure/function; Has not been previously published as pathogenic or benign to our knowledge